The following is an entry in ClinVar:

ClinVar aggregate classification (germline): Pathogenic (1 of 4 stars; one submission).

Conditions:
Hereditary cancer-predisposing syndrome. Also called: Neoplastic Syndromes, Hereditary; Tumor predisposition; Hereditary Cancer Syndrome; Hereditary neoplastic syndrome. Identifiers: Orphanet 140162, MedGen C0027672, MeSH D009386, MONDO:0015356.

Submission:

Color Diagnostics, LLC DBA Color Health
Classification: Pathogenic for Hereditary cancer-predisposing syndrome. Last evaluated: 2019-08-09. Review status: criteria provided, single submitter. Criteria: ACMG Guidelines, 2015. Collection method: clinical testing. Allele origin: germline.
Comment: This variant deletes 1 nucleotides in exon 15 of the BRCA1 gene, creating a frameshift and premature translation stop signal. This variant is expected to result in an absent or non-functional protein product. Computational splicing tools suggest that this variant may not impact RNA splicing. To our knowledge, functional assays have not been performed for this variant nor has this variant been reported in individuals affected with hereditary cancer in the literature. This variant has not been identified in the general population by the Genome Aggregation Database (gnomAD). Loss of BRCA1 function is a known mechanism of disease. Based on available evidence, this variant is classified as Pathogenic.

NM_007294.4(BRCA1):c.4829del (p.Ser1610fs)

Gene: BRCA1 (BRCA1 DNA repair associated; minus strand). Cytogenetic location: 17q21.31.
Variant type: Deletion.
Coding change: c.4829del on transcript NM_007294.4 (MANE Select); coding-DNA position 4829, one base deleted (C; older notation c.4829delC).
Protein change: p.Ser1610fs; shifts the reading frame from serine 1610.
Molecular consequence: frameshift variant. On other transcripts: non-coding transcript variant (1).
Genome position (GRCh38, 1-based): chr17:43,071,085, G deleted on the plus strand (C on the coding strand, the reverse complement: BRCA1 is on the minus strand). VCF-style (leftmost placement, unchanged base first): chr17-43071084-AG-A. GRCh37 (hg19) VCF-style: chr17-41223101-AG-A.
Other names: c.4700delC, p.Ser1567Leufs (NM_001407682.1, NM_001407683.1, NM_001407685.1 and 6 more transcripts); c.4829delC, p.Ser1610Leufs (NM_001407684.1, NM_001407593.1, NM_001407594.1 and 9 more transcripts); c.4688delC, p.Ser1563Leufs (NM_001407692.1, NM_001407694.1, NM_001407695.1 and 12 more transcripts); c.4697delC, p.Ser1566Leufs (NM_001407690.1, NM_001407691.1); c.4616delC, p.Ser1539Leufs (NM_001407571.1, NM_001407894.1, NM_001407895.1 and 12 more transcripts); c.4895delC, p.Ser1632Leufs (NM_001407581.1, NM_001407582.1); c.4892delC, p.Ser1631Leufs (NM_001407583.1, NM_001407585.1, NM_001407587.1); c.4889delC, p.Ser1630Leufs (NM_001407590.1, NM_001407591.1); and 73 more; short protein forms S1610fs, S1631fs, S1563fs, S506fs.
Identifiers: ClinVar variation 919848 (VCV000919848.4), dbSNP rs2052400799, ClinGen allele CA1139665579.
Genomic context (GRCh38, chr17:43,071,084, plus strand): 5'-TTCTTCCATTGCATTATACCCAGCAGTATCAGTAGTATGAGCAGCAGCTGGACTCTGGGC[AG>A]ATTCTGCAACTTTCAATTGGGGAACTTTCAATGCAGAGGTTGAAGATGGTATGTTGCCAA-3'